The following is an entry in ClinVar:

ClinVar aggregate classification (germline): Pathogenic/Likely pathogenic. Review status: criteria provided, multiple submitters, no conflicts (2 of 4 stars). 6 submissions from 6 submitters: Pathogenic (2); Likely pathogenic (3). 1 of the submissions does not count toward it. Last evaluated 2024-07-30.

Conditions:
Periventricular nodular heterotopia 7 (PVNH7). Identifiers: MedGen C4310669, MONDO:0014966, OMIM 617201.
NEDD4L-related disorder. Also called: NEDD4L-related condition.
Intellectual disability. Also called: Intellectual functioning disability; Intellectual developmental disorder; intellectual disabilities. Identifiers: MedGen C3714756, MeSH D008607, MONDO:0001071, HP:0001249.

Allele frequency attached by ClinVar (database versions not stated): gnomAD exomes below 0.00001.
gnomAD v4.1: 1 of 1,613,992 alleles (0.000062%); highest among the groups gnomAD compares: Non-Finnish European, 0.000085%; no homozygotes.

Submissions (6):

GeneDx
Classification: Likely pathogenic. Last evaluated: 2024-07-30. Review status: criteria provided, single submitter. Criteria: GeneDx Variant Classification Process June 2021. Collection method: clinical testing. Allele origin: germline. Affected: yes.
Comment: Not observed at significant frequency in large population cohorts (gnomAD); In silico analysis supports that this missense variant has a deleterious effect on protein structure/function; This variant is associated with the following publications: (PMID: 33604570, 34087865, 36934385, 32117442)

Blueprint Genetics
Classification: Pathogenic for NEDD4L-related disorders. Last evaluated: 2024-02-05. Review status: criteria provided, single submitter. Criteria: ACMG Guidelines, 2015. Collection method: clinical testing. Allele origin: de novo. Affected: yes. Observed: 2 variant alleles.

Labcorp Genetics (formerly Invitae), Labcorp
Classification: Pathogenic. Last evaluated: 2021-05-20. Review status: criteria provided, single submitter. Criteria: Invitae Variant Classification Sherloc (09022015). Collection method: clinical testing. Allele origin: germline.
Comment: This variant is not present in population databases (ExAC no frequency). This sequence change replaces arginine with glutamine at codon 208 of the NEDD4L protein (p.Arg208Gln). The arginine residue is highly conserved and there is a small physicochemical difference between arginine and glutamine. This variant has been observed in individual(s) with clinical features of NEDD4L-related conditions (PMID: 32117442, Invitae). In at least one individual the variant was observed to be de novo. ClinVar contains an entry for this variant (Variation ID: 864862). Algorithms developed to predict the effect of missense changes on protein structure and function are either unavailable or do not agree on the potential impact of this missense change (SIFT: "Deleterious"; PolyPhen-2: "Probably Damaging"; Align-GVGD: "Class C0"). For these reasons, this variant has been classified as Pathogenic.

Diagnostic Laboratory, Strasbourg University Hospital
Classification: Likely pathogenic for Intellectual disability. Last evaluated: 2020-04-20. Review status: criteria provided, single submitter. Criteria: ACMG Guidelines, 2015. Collection method: clinical testing. Allele origin: de novo. Inheritance: Autosomal dominant inheritance. Affected: yes. Observed: 1 heterozygote.

Bruce Lefroy Centre, Murdoch Childrens Research Institute
Classification: Likely pathogenic for Periventricular nodular heterotopia 7. Last evaluated: 2020-01-01. Review status: criteria provided, single submitter. Criteria: ACMG Guidelines, 2015. Collection method: research. Allele origin: inherited, de novo. Inheritance: Autosomal dominant inheritance. Affected: yes. Observed: 3 variant alleles, 3 heterozygotes.
Comment: PM2, PP1, PP2, PP3, PP4

OMIM
Classification: Pathogenic for PERIVENTRICULAR NODULAR HETEROTOPIA 7. Last evaluated: 2023-08-23. Review status: no assertion criteria provided. Collection method: literature only. Allele origin: germline. Not counted in ClinVar's aggregate classification.

Literature cited by the submitters: PubMed 32117442 (cited by Labcorp Genetics (formerly Invitae), Labcorp and OMIM).

NM_001144967.3(NEDD4L):c.623G>A (p.Arg208Gln)

Gene: NEDD4L (NEDD4 like E3 ubiquitin protein ligase; plus strand). Cytogenetic location: 18q21.31.
Variant type: single nucleotide variant.
Coding change: c.623G>A on transcript NM_001144967.3 (MANE Select); coding-DNA position 623, G replaced by A.
Protein change: p.Arg208Gln; replaces arginine 208 with glutamine.
Molecular consequence: missense variant.
Genome position (GRCh38, 1-based): chr18:58,325,105, G>A. VCF-style: chr18-58325105-G-A. GRCh37 (hg19) VCF-style: chr18-55992337-G-A.
Other names: c.260G>A, p.Arg87Gln (NM_001144964.1, NM_001144965.2, NM_001144966.3 and 2 more transcripts); c.599G>A, p.Arg200Gln (NM_001144968.2, NM_001144969.2); c.623G>A, p.Arg208Gln (NM_001243960.2, NM_015277.6); c.623G>A (NM_015277.5); short protein forms R208Q, R87Q, R200Q.
Identifiers: ClinVar variation 864862 (VCV000864862.15), dbSNP rs2059194330, ClinGen allele CA402552768.